The following is an entry in ClinVar:

ClinVar aggregate classification (germline): Uncertain significance. Review status: criteria provided, multiple submitters, no conflicts (2 of 4 stars). 2 submissions from 2 submitters: Uncertain significance (2). Last evaluated 2026-04-28.

Conditions:
Inborn genetic diseases. Identifiers: MedGen C0950123, MeSH D030342.

Allele frequency attached by ClinVar (database versions not stated): TOPMed 0.00001; gnomAD 0.00001.
gnomAD v4.1: 2 of 1,614,024 alleles (0.00012%); highest among the groups gnomAD compares: Non-Finnish European, 0.00017%; no homozygotes.

Submissions (2):

Ambry Genetics
Classification: Uncertain significance for Inborn genetic diseases. Last evaluated: 2026-04-28. Review status: criteria provided, single submitter. Criteria: Ambry Variant Classification Scheme 2023. Collection method: clinical testing. Allele origin: germline.
Comment: The p.N189D variant (also known as c.565A>G), located in coding exon 1 of the SAMD9 gene, results from an A to G substitution at nucleotide position 565. The asparagine at codon 189 is replaced by aspartic acid, an amino acid with highly similar properties. This amino acid position is conserved. In addition, this alteration is predicted to be tolerated by in silico analysis. Based on the available evidence, the clinical significance of this variant remains unclear.

Labcorp Genetics (formerly Invitae), Labcorp
Classification: Uncertain significance. Last evaluated: 2025-03-28. Review status: criteria provided, single submitter. Criteria: Invitae Variant Classification Sherloc (09022015). Collection method: clinical testing. Allele origin: germline.
Comment: This sequence change replaces asparagine, which is neutral and polar, with aspartic acid, which is acidic and polar, at codon 189 of the SAMD9 protein (p.Asn189Asp). This variant is not present in population databases (gnomAD no frequency). This variant has not been reported in the literature in individuals affected with SAMD9-related conditions. ClinVar contains an entry for this variant (Variation ID: 1522011). Invitae Evidence Modeling of protein sequence and biophysical properties (such as structural, functional, and spatial information, amino acid conservation, physicochemical variation, residue mobility, and thermodynamic stability) has been performed for this missense variant. However, the output from this modeling did not meet the statistical confidence thresholds required to predict the impact of this variant on SAMD9 protein function. In summary, the available evidence is currently insufficient to determine the role of this variant in disease. Therefore, it has been classified as a Variant of Uncertain Significance.

NM_017654.4(SAMD9):c.565A>G (p.Asn189Asp)

Gene: SAMD9 (sterile alpha motif domain containing 9; minus strand). Cytogenetic location: 7q21.2.
Variant type: single nucleotide variant.
Coding change: c.565A>G on transcript NM_017654.4 (MANE Select); coding-DNA position 565, A replaced by G.
Protein change: p.Asn189Asp; replaces asparagine 189 with aspartic acid.
Molecular consequence: missense variant.
Genome position (GRCh38, 1-based): chr7:93,105,533, T>C on the plus strand (A>G on the coding strand, the complement: SAMD9 is on the minus strand). VCF-style: chr7-93105533-T-C. GRCh37 (hg19) VCF-style: chr7-92734846-T-C.
Other names: c.565A>G, p.Asn189Asp (NM_001193307.2); c.565A>G (NM_017654.3); short protein forms N189D.
Identifiers: ClinVar variation 1522011 (VCV001522011.9), dbSNP rs1014088211, ClinGen allele CA161994648.
Genomic context (GRCh38, chr7:93,105,533, plus strand): 5'-CTTCTGTGGCTGTTGCTGTATTTGTGAAGGCTTTGAATTCATGTATCGGATCAATGAGAT[T>C]GCCTGGTCCTGTTTCAGGCTGTAGACTAAAATCCAACTTGTAACGATATGGATTACTGAA-3'
Protein context (NP_060124.2, residues 179-199): FSLQPETGPG[Asn189Asp]LIDPIHEFKA